The following is an entry in ClinVar:

ClinVar aggregate classification (germline): Uncertain significance (1 of 4 stars; one submission).

Allele frequency attached by ClinVar (database versions not stated): gnomAD 0.00001; gnomAD exomes 0.00001; TOPMed 0.00002.
gnomAD v4.1: 11 of 1,613,258 alleles (0.00068%); highest among the groups gnomAD compares: Admixed American, 0.0017%; no homozygotes.

Submission:

Labcorp Genetics (formerly Invitae), Labcorp
Classification: Uncertain significance. Last evaluated: 2021-07-09. Review status: criteria provided, single submitter. Criteria: Invitae Variant Classification Sherloc (09022015). Collection method: clinical testing. Allele origin: germline.
Comment: This variant is not present in population databases (ExAC no frequency). This sequence change replaces methionine with threonine at codon 265 of the SAG protein (p.Met265Thr). The methionine residue is weakly conserved and there is a moderate physicochemical difference between methionine and threonine. This variant has not been reported in the literature in individuals with SAG-related conditions. Algorithms developed to predict the effect of missense changes on protein structure and function output the following: SIFT: "Tolerated"; PolyPhen-2: "Benign"; Align-GVGD: "Class C0". The threonine amino acid residue is found in multiple mammalian species, suggesting that this missense change does not adversely affect protein function. These predictions have not been confirmed by published functional studies and their clinical significance is uncertain. In summary, the available evidence is currently insufficient to determine the role of this variant in disease. Therefore, it has been classified as a Variant of Uncertain Significance.

NM_000541.5(SAG):c.794T>C (p.Met265Thr)

Gene: SAG (S-antigen visual arrestin; plus strand). Cytogenetic location: 2q37.1.
Variant type: single nucleotide variant.
Coding change: c.794T>C on transcript NM_000541.5 (MANE Select); coding-DNA position 794, T replaced by C.
Protein change: p.Met265Thr; replaces methionine 265 with threonine.
Molecular consequence: missense variant.
Genome position (GRCh38, 1-based): chr2:233,331,700, T>C. VCF-style: chr2-233331700-T-C. GRCh37 (hg19) VCF-style: chr2-234240346-T-C.
Other names: short protein forms M265T.
Identifiers: ClinVar variation 1471969 (VCV001471969.8), dbSNP rs1402827184, ClinGen allele CA351048259.
Genomic context (GRCh38, chr2:233,331,700, plus strand): 5'-TGGAACAGGTGGCCAATGTGGTTCTCTACTCGAGTGATTATTACGTCAAGCCCGTGGCTA[T>C]GGAGGAAGCGCAGTGAGTAGCTGTTGGGGTTTCCGTTTCCTGGGCGTCTCAGCCTTCTGT-3'
Protein context (NP_000532.2, residues 255-275): SSDYYVKPVA[Met265Thr]EEAQEKVPPN